The following is an entry in ClinVar:

NM_139057.4(ADAMTS17):c.1889-1G>C

Gene: ADAMTS17 (ADAM metallopeptidase with thrombospondin type 1 motif 17; minus strand). Cytogenetic location: 15q26.3.
Variant type: single nucleotide variant.
Coding change: c.1889-1G>C on transcript NM_139057.4 (MANE Select); the canonical splice acceptor site of the intron before coding-DNA position 1889, G replaced by C.
Molecular consequence: splice acceptor variant.
Genome position (GRCh38, 1-based): chr15:100,109,117, C>G on the plus strand (G>C on the coding strand, the complement: ADAMTS17 is on the minus strand). VCF-style: chr15-100109117-C-G. GRCh37 (hg19) VCF-style: chr15-100649322-C-G.
Identifiers: ClinVar variation 4715333 (VCV004715333.1).

ClinVar aggregate classification (germline): Likely pathogenic (1 of 4 stars; one submission).

gnomAD v4.1: 1 of 1,610,244 alleles (0.000062%); highest among the groups gnomAD compares: Non-Finnish European, 0.000085%; no homozygotes.

Submission:

Labcorp Genetics (formerly Invitae), Labcorp
Classification: Likely pathogenic. Last evaluated: 2025-05-01. Review status: criteria provided, single submitter. Criteria: Invitae Variant Classification Sherloc (09022015). Collection method: clinical testing. Allele origin: germline.
Comment: This sequence change affects an acceptor splice site in intron 13 of the ADAMTS17 gene. It is expected to disrupt RNA splicing. Variants that disrupt the donor or acceptor splice site typically lead to a loss of protein function (PMID: 16199547), and loss-of-function variants in ADAMTS17 are known to be pathogenic (PMID: 19836009, 24940034). This variant is not present in population databases (gnomAD no frequency). This variant has not been reported in the literature in individuals affected with ADAMTS17-related conditions. Algorithms developed to predict the effect of sequence changes on RNA splicing suggest that this variant may disrupt the consensus splice site. In summary, the currently available evidence indicates that the variant is pathogenic, but additional data are needed to prove that conclusively. Therefore, this variant has been classified as Likely Pathogenic.

Literature cited by the submitters: PubMed 16199547; PubMed 19836009; PubMed 24940034.